The following is an entry in ClinVar:

ClinVar aggregate classification (germline): Uncertain significance (1 of 4 stars; one submission).

Conditions:
Ataxia-telangiectasia syndrome (AT). Also called: Ataxia-telangiectasia, complementation group D; AT, COMPLEMENTATION GROUP C; ATAXIA-TELANGIECTASIA, COMPLEMENTATION GROUP A; ATAXIA-TELANGIECTASIA, FRESNO VARIANT; Ataxia-telangiectasia; Ataxia-telangiectasia, complementation group E. Identifiers: Orphanet 100, MedGen C0004135, MONDO:0008840, OMIM 208900.

Submission:

Labcorp Genetics (formerly Invitae), Labcorp
Classification: Uncertain significance for Ataxia-telangiectasia syndrome. Last evaluated: 2024-02-09. Review status: criteria provided, single submitter. Criteria: Invitae Variant Classification Sherloc (09022015). Collection method: clinical testing. Allele origin: germline.
Comment: This sequence change replaces valine, which is neutral and non-polar, with leucine, which is neutral and non-polar, at codon 2152 of the ATM protein (p.Val2152Leu). This variant is not present in population databases (gnomAD no frequency). This variant has not been reported in the literature in individuals affected with ATM-related conditions. Algorithms developed to predict the effect of missense changes on protein structure and function output the following: SIFT: "Not Available"; PolyPhen-2: "Benign"; Align-GVGD: "Not Available". The leucine amino acid residue is found in multiple mammalian species, which suggests that this missense change does not adversely affect protein function. In summary, the available evidence is currently insufficient to determine the role of this variant in disease. Therefore, it has been classified as a Variant of Uncertain Significance.

NM_000051.4(ATM):c.6454G>C (p.Val2152Leu)

Genes: ATM (ATM serine/threonine kinase; plus strand), C11orf65 (chromosome 11 open reading frame 65; minus strand). Cytogenetic location: 11q22.3.
Variant type: single nucleotide variant.
Coding change: c.6454G>C on transcript NM_000051.4 (MANE Select); coding-DNA position 6454, G replaced by C.
Protein change: p.Val2152Leu; replaces valine 2152 with leucine.
Molecular consequence: missense variant. On other transcripts: intron variant (2).
Genome position (GRCh38, 1-based): chr11:108,321,302, G>C. VCF-style: chr11-108321302-G-C. GRCh37 (hg19) VCF-style: chr11-108192029-G-C.
Other names: c.6454G>C, p.Val2152Leu (NM_001351834.2); c.641-12231C>G (NM_001330368.2); c.*39-12231C>G (NM_001351110.2); short protein forms V2152L.
Identifiers: ClinVar variation 3639806 (VCV003639806.2).